The following is an entry in ClinVar:

NM_014915.3(ANKRD26):c.145A>G (p.Lys49Glu)

Genes: ANKRD26 (ankyrin repeat domain 26; minus strand), LOC130003554 (ATAC-STARR-seq lymphoblastoid silent region 2243; plus strand). Cytogenetic location: 10p12.1.
Variant type: single nucleotide variant.
Coding change: c.145A>G on transcript NM_014915.3 (MANE Select); coding-DNA position 145, A replaced by G.
Protein change: p.Lys49Glu; replaces lysine 49 with glutamic acid.
Molecular consequence: missense variant.
Genome position (GRCh38, 1-based): chr10:27,100,182, T>C on the plus strand (A>G on the coding strand, the complement: ANKRD26 is on the minus strand). VCF-style: chr10-27100182-T-C. GRCh37 (hg19) VCF-style: chr10-27389111-T-C.
Other names: c.145A>G, p.Lys49Glu (NM_001256053.2); short protein forms K49E.
Identifiers: ClinVar variation 5023287 (VCV005023287.1).
Genomic context (GRCh38, chr10:27,100,182, plus strand): 5'-TGAGCAAAAGGATCTGCTGCACTTTCGCCACATTACCCGCGCTGGCAGCTTTGTGGATCT[T>C]GCCGAGATCTCGGTCTCGGACGTGGTAGCCGGGCTGCGAGTAGGCGCCCTCCCCCGGCTC-3'
Protein context (NP_055730.2, residues 39-59): GYHVRDRDLG[Lys49Glu]IHKAASAGNV

ClinVar aggregate classification (germline): Uncertain significance (1 of 4 stars; one submission).

Conditions:
Inborn genetic diseases. Identifiers: MedGen C0950123, MeSH D030342.

gnomAD v4.1: 2 of 1,614,066 alleles (0.00012%); highest among the groups gnomAD compares: Admixed American, 0.0017%; no homozygotes.

Submission:

Ambry Genetics
Classification: Uncertain significance for Inborn genetic diseases. Last evaluated: 2026-07-25. Review status: criteria provided, single submitter. Criteria: Ambry Variant Classification Scheme 2023. Collection method: clinical testing. Allele origin: germline.
Comment: The p.K49E variant (also known as c.145A>G), located in coding exon 1 of the ANKRD26 gene, results from an A to G substitution at nucleotide position 145. The lysine at codon 49 is replaced by glutamic acid, an amino acid with similar properties. This amino acid position is conserved. In addition, this alteration is predicted to be tolerated by in silico analysis. Based on the available evidence, the clinical significance of this variant remains unclear.